The following is an entry in ClinVar:

NM_133261.3(GIPC3):c.592+10G>T

Gene: GIPC3 (GIPC PDZ domain containing family member 3; plus strand). Cytogenetic location: 19p13.3.
Variant type: single nucleotide variant.
Coding change: c.592+10G>T on transcript NM_133261.3 (MANE Select); 10 bases into the intron after coding-DNA position 592, G replaced by T.
Molecular consequence: intron variant.
Genome position (GRCh38, 1-based): chr19:3,587,004, G>T. VCF-style: chr19-3587004-G-T. GRCh37 (hg19) VCF-style: chr19-3587002-G-T.
Identifiers: ClinVar variation 738633 (VCV000738633.14), dbSNP rs557737423, ClinGen allele CA9080446.

ClinVar aggregate classification (germline): Benign/Likely benign. Review status: criteria provided, multiple submitters, no conflicts (2 of 4 stars). 4 submissions from 4 submitters: Benign (1); Likely benign (2). 1 of the submissions does not count toward it. Last evaluated 2026-01-06.

Conditions:
GIPC3-related disorder. Also called: GIPC3-related condition.

Allele frequency attached by ClinVar (database versions not stated): gnomAD 0.00010 and 0.00042; TOPMed 0.00014; 1000 Genomes Project 30x 0.00109; 1000 Genomes Project 0.00120; ExAC 0.00217.

Submissions (4):

Labcorp Genetics (formerly Invitae), Labcorp
Classification: Benign. Last evaluated: 2026-01-06. Review status: criteria provided, single submitter. Criteria: Invitae Variant Classification Sherloc (09022015). Collection method: clinical testing. Allele origin: germline.

Blueprint Genetics
Classification: Likely benign. Last evaluated: 2024-10-23. Review status: criteria provided, single submitter. Criteria: ACMG Guidelines, 2015. Collection method: clinical testing. Allele origin: germline.

GeneDx
Classification: Likely benign. Last evaluated: 2018-12-31. Review status: criteria provided, single submitter. Criteria: GeneDx Variant Classification Process June 2021. Collection method: clinical testing. Allele origin: germline. Affected: yes.

PreventionGenetics, part of Exact Sciences
Classification: Benign for GIPC3-related condition. Last evaluated: 2023-12-06. Review status: no assertion criteria provided. Collection method: clinical testing. Allele origin: germline. Not counted in ClinVar's aggregate classification.
Comment: This variant is classified as benign based on ACMG/AMP sequence variant interpretation guidelines (Richards et al. 2015 PMID: 25741868, with internal and published modifications).